The following is an entry in ClinVar:

NM_000051.4(ATM):c.2768T>C (p.Ile923Thr)

Gene: ATM (ATM serine/threonine kinase; plus strand). Cytogenetic location: 11q22.3.
Variant type: single nucleotide variant.
Coding change: c.2768T>C on transcript NM_000051.4 (MANE Select); coding-DNA position 2768, T replaced by C.
Protein change: p.Ile923Thr; replaces isoleucine 923 with threonine.
Molecular consequence: missense variant.
Genome position (GRCh38, 1-based): chr11:108,268,539, T>C. VCF-style: chr11-108268539-T-C. GRCh37 (hg19) VCF-style: chr11-108139266-T-C.
Other names: c.2768T>C, p.Ile923Thr (NM_001351834.2); short protein forms I923T.
Identifiers: ClinVar variation 921587 (VCV000921587.15), dbSNP rs2081390566, ClinGen allele CA382545508.

ClinVar aggregate classification (germline): Uncertain significance. Review status: criteria provided, multiple submitters, no conflicts (2 of 4 stars). 5 submissions from 5 submitters: Uncertain significance (4). 1 of the submissions does not count toward it. Last evaluated 2025-12-30.

Conditions:
Ataxia-telangiectasia syndrome (AT). Also called: ATAXIA-TELANGIECTASIA, COMPLEMENTATION GROUP A; ATAXIA-TELANGIECTASIA, FRESNO VARIANT; Ataxia-telangiectasia; LOUIS-BAR SYNDROME; Ataxia-telangiectasia, complementation group E; Ataxia telangiectasia (A-T). Identifiers: Orphanet 100, MedGen C0004135, MONDO:0008840, OMIM 208900.
Hereditary cancer-predisposing syndrome. Also called: Tumor predisposition; Hereditary neoplastic syndrome; Hereditary Cancer Syndrome; Neoplastic Syndromes, Hereditary. Identifiers: Orphanet 140162, MedGen C0027672, MeSH D009386, MONDO:0015356.

Allele frequency attached by ClinVar (database versions not stated): TOPMed below 0.00001; gnomAD 0.00001.
gnomAD v4.1: 3 of 1,614,114 alleles (0.00019%); highest among the groups gnomAD compares: Middle Eastern, 0.016%; no homozygotes.

Submissions (5):

Ambry Genetics
Classification: Uncertain significance for Hereditary cancer-predisposing syndrome. Last evaluated: 2025-12-30. Review status: criteria provided, single submitter. Criteria: Ambry Variant Classification Scheme 2023. Collection method: clinical testing. Allele origin: germline.
Comment: The p.I923T variant (also known as c.2768T>C), located in coding exon 17 of the ATM gene, results from a T to C substitution at nucleotide position 2768. The isoleucine at codon 923 is replaced by threonine, an amino acid with similar properties. In an assay testing ATM function, this variant showed a functionally abnormal result (Lee KS et al. Cell, 2025 Sep;188:5081-5099.e27). This amino acid position is highly conserved in available vertebrate species. In addition, this alteration is predicted to be tolerated by in silico analysis. Based on the available evidence, the clinical significance of this variant remains unclear.

Labcorp Genetics (formerly Invitae), Labcorp
Classification: Uncertain significance for Ataxia-telangiectasia syndrome. Last evaluated: 2025-09-04. Review status: criteria provided, single submitter. Criteria: Invitae Variant Classification Sherloc (09022015). Collection method: clinical testing. Allele origin: germline.
Comment: This sequence change replaces isoleucine, which is neutral and non-polar, with threonine, which is neutral and polar, at codon 923 of the ATM protein (p.Ile923Thr). This variant is not present in population databases (gnomAD no frequency). This missense change has been observed in individual(s) with breast cancer (PMID: 30287823). ClinVar contains an entry for this variant (Variation ID: 921587). Invitae Evidence Modeling of protein sequence and biophysical properties (such as structural, functional, and spatial information, amino acid conservation, physicochemical variation, residue mobility, and thermodynamic stability) indicates that this missense variant is not expected to disrupt ATM protein function with a negative predictive value of 95%. In summary, the available evidence is currently insufficient to determine the role of this variant in disease. Therefore, it has been classified as a Variant of Uncertain Significance.

GeneDx
Classification: Uncertain significance. Last evaluated: 2023-10-17. Review status: criteria provided, single submitter. Criteria: GeneDx Variant Classification Process June 2021. Collection method: clinical testing. Allele origin: germline. Affected: yes.
Comment: Not observed at significant frequency in large population cohorts (gnomAD); In silico analysis supports that this missense variant does not alter protein structure/function; Observed in individual(s) with breast cancer (Momozawa et al., 2018); This variant is associated with the following publications: (PMID: 30287823)

Color Diagnostics, LLC DBA Color Health
Classification: Uncertain significance for Hereditary cancer-predisposing syndrome. Last evaluated: 2019-05-17. Review status: criteria provided, single submitter. Criteria: ACMG Guidelines, 2015. Collection method: clinical testing. Allele origin: germline.

Natera, Inc.
Classification: Uncertain significance for Ataxia-telangiectasia. Last evaluated: 2025-02-02. Review status: no assertion criteria provided. Collection method: clinical testing. Allele origin: germline. Not counted in ClinVar's aggregate classification.

Literature cited by the submitters: PubMed 40580951 (cited by Ambry Genetics); PubMed 30287823 (cited by Labcorp Genetics (formerly Invitae), Labcorp).